The following is an entry in ClinVar:

NM_001378454.1(ALMS1):c.5413T>C (p.Ser1805Pro)

Gene: ALMS1 (ALMS1 centrosome and basal body associated protein; plus strand). Cytogenetic location: 2p13.1.
Variant type: single nucleotide variant.
Coding change: c.5413T>C on transcript NM_001378454.1 (MANE Select); coding-DNA position 5413, T replaced by C.
Protein change: p.Ser1805Pro; replaces serine 1805 with proline.
Molecular consequence: missense variant.
Genome position (GRCh38, 1-based): chr2:73,451,940, T>C. VCF-style: chr2-73451940-T-C. GRCh37 (hg19) VCF-style: chr2-73679067-T-C.
Other names: c.5416T>C, p.Ser1806Pro (NM_015120.4); short protein forms S1805P, S1806P.
Identifiers: ClinVar variation 2137135 (VCV002137135.3), dbSNP rs2466104986, ClinGen allele CA347282006.
Genomic context (GRCh38, chr2:73,451,940, plus strand): 5'-GTTTCAAATGTTCCTGGACCAGCTGACCAGAAGACTGGGGTATCAACAGTAACCTCTACT[T>C]CCTACTCACACAGAGAGAAGCCCATTGTTTCCTACCAGCGAGAGTTGCCGCATTTTACTG-3'
Protein context (NP_001365383.1, residues 1795-1815): KTGVSTVTST[Ser1805Pro]YSHREKPIVS

ClinVar aggregate classification (germline): Conflicting classifications of pathogenicity. Review status: criteria provided, conflicting classifications (1 of 4 stars). 3 submissions from 3 submitters: Uncertain significance (2); Likely benign (1). Last evaluated 2026-08-28.

Conditions:
Cardiovascular phenotype. Identifiers: MedGen CN230736.
Alstrom syndrome (ALMS). Identifiers: Orphanet 64, MedGen C0268425, MONDO:0008763, OMIM 203800.

gnomAD v4.1: 2 of 1,614,070 alleles (0.00012%); highest among the groups gnomAD compares: Non-Finnish European, 0.00017%; no homozygotes.

Submissions (3):

Ambry Genetics
Classification: Likely benign for Cardiovascular phenotype. Last evaluated: 2026-08-28. Review status: criteria provided, single submitter. Criteria: Ambry Variant Classification Scheme 2023. Collection method: clinical testing. Allele origin: germline.

Blueprint Genetics
Classification: Uncertain significance. Last evaluated: 2023-11-17. Review status: criteria provided, single submitter. Criteria: ACMG Guidelines, 2015. Collection method: clinical testing. Allele origin: germline.

Labcorp Genetics (formerly Invitae), Labcorp
Classification: Uncertain significance for Alstrom syndrome. Last evaluated: 2022-04-25. Review status: criteria provided, single submitter. Criteria: Invitae Variant Classification Sherloc (09022015). Collection method: clinical testing. Allele origin: germline.
Comment: This sequence change replaces serine, which is neutral and polar, with proline, which is neutral and non-polar, at codon 1806 of the ALMS1 protein (p.Ser1806Pro). This variant is not present in population databases (gnomAD no frequency). This variant has not been reported in the literature in individuals affected with ALMS1-related conditions. Experimental studies and prediction algorithms are not available or were not evaluated, and the functional significance of this variant is currently unknown. In summary, the available evidence is currently insufficient to determine the role of this variant in disease. Therefore, it has been classified as a Variant of Uncertain Significance.